The following is an entry in ClinVar:

NM_001242896.3(DEPDC5):c.1459C>T (p.Arg487Ter)

Gene: DEPDC5 (DEP domain containing 5, GATOR1 subcomplex subunit; plus strand). Cytogenetic location: 22q12.3.
Variant type: single nucleotide variant.
Coding change: c.1459C>T on transcript NM_001242896.3 (MANE Select); coding-DNA position 1459, C replaced by T.
Protein change: p.Arg487Ter; replaces arginine 487 with a stop codon.
Molecular consequence: nonsense. On other transcripts: non-coding transcript variant (5).
Genome position (GRCh38, 1-based): chr22:31,815,005, C>T. VCF-style: chr22-31815005-C-T. GRCh37 (hg19) VCF-style: chr22-32210991-C-T.
Other names: c.1459C>T, p.Arg487Ter (NM_001007188.4, NM_001136029.4, NM_001242897.2 and 7 more transcripts); c.1375C>T, p.Arg459Ter (NM_001369901.1, NM_001369902.1); short protein forms R487*, R459*.
Identifiers: ClinVar variation 139434 (VCV000139434.16), dbSNP rs587777459, ClinGen allele CA345682.

ClinVar aggregate classification (germline): Pathogenic. Review status: criteria provided, multiple submitters, no conflicts (2 of 4 stars). 8 submissions from 8 submitters: Pathogenic (5). 3 of the submissions do not count toward it. Last evaluated 2026-05-14.

Conditions:
DEPDC5-related disorder. Also called: DEPDC5-related condition; DEPDC5-related related disorder.
Familial focal epilepsy with variable foci (FPEVF). Identifiers: Orphanet 98820, MedGen C1858477, MONDO:0020310.
Epilepsy, familial focal, with variable foci 1 (FFEVF1). Also called: DEPDC5-Related Epilepsy. Identifiers: MedGen C4551983, MONDO:0024556, OMIM 604364.

Allele frequency attached by ClinVar (database versions not stated): gnomAD 0.00001.
gnomAD v4.1: 7 of 1,613,914 alleles (0.00043%); highest among the groups gnomAD compares: Non-Finnish European, 0.00051%; no homozygotes.

Submissions (8):

Victorian Clinical Genetics Services, Murdoch Childrens Research Institute
Classification: Pathogenic for Epilepsy, familial focal, with variable foci 1. Last evaluated: 2026-05-14. Review status: criteria provided, single submitter. Criteria: ACMG Guidelines, 2015. Collection method: clinical testing. Allele origin: germline. Affected: yes.
Comment: This variant is classified as Pathogenic. Evidence in support of pathogenic classification: Variant is predicted to cause nonsense-mediated decay (NMD) and loss of protein (premature termination codon is located at least 54 nucleotides upstream of the final exon-exon junction); Variant is present in gnomAD <0.01 (v4: 7 heterozygote(s), 0 homozygote(s)); This variant has limited previous evidence of pathogenicity in unrelated individuals. This variant has been classified as pathogenic by clinical laboratories in ClinVar; Other NMD-predicted variants comparable to the one identified in this case have very strong previous evidence for pathogenicity (DECIPHER). Additional information: This variant is heterozygous; This gene is associated with both recessive and dominant disease. Familial focal epilepsy with variable foci 1 (MIM#604364) is autosomal dominant, while developmental and epileptic encephalopathy 111 (MIM#620504) is autosomal recessive; Loss of function is a known mechanism of disease in this gene and is associated with familial focal epilepsy with variable foci 1 (MIM#604364), and developmental and epileptic encephalopathy 111 (MIM#620504); The condition associated with this gene has incomplete penetrance. Unaffected individuals with pathogenic familial variants are commonly reported, with penetrance estimated to be between 66% and 70% (PMIDs: 30767899, 32848577); Variants in this gene are known to have variable expressivity. Disease presentation in affected individuals is known to vary considerably from mild febrile seizures to severe focal epilepsy with cortical malformations (PMIDs: 27066554, 32848577).

Dasa
Classification: Pathogenic. Last evaluated: 2026-03-19. Review status: criteria provided, single submitter. Criteria: DASA Assertion Criteria. Collection method: clinical testing. Allele origin: germline.
Comment: NM_001242896.3(DEPDC5):c.1459C>T (p.Arg487*) introduces a premature termination codon predicted to result in loss of normal protein function. Loss-of-function is an established mechanism of disease for this gene. This variant has been recurrently observed in individuals with related phenotype (PMID: 23542697; PMID: 32086284; PMID: 24814846; PMID: 27208208; PMID: 29761115). Segregation evidence has been reported in affected families. The variant is present at low frequency in population datasets. Based on the available data, this variant is classified as pathogenic.

Blueprint Genetics
Classification: Pathogenic for DEPDC5-related disorders. Last evaluated: 2023-05-12. Review status: criteria provided, single submitter. Criteria: ACMG Guidelines, 2015. Collection method: clinical testing. Allele origin: de novo. Affected: yes. Observed: 4 variant alleles.

Labcorp Genetics (formerly Invitae), Labcorp
Classification: Pathogenic for Familial focal epilepsy with variable foci. Last evaluated: 2023-04-10. Review status: criteria provided, single submitter. Criteria: Invitae Variant Classification Sherloc (09022015). Collection method: clinical testing. Allele origin: germline.
Comment: For these reasons, this variant has been classified as Pathogenic. ClinVar contains an entry for this variant (Variation ID: 139434). This premature translational stop signal has been observed in individual(s) with autosomal dominant DEPDC5-related conditions (PMID: 23542697, 24814846, 32086284). This variant is present in population databases (rs587777459, gnomAD 0.0009%). This sequence change creates a premature translational stop signal (p.Arg487*) in the DEPDC5 gene. It is expected to result in an absent or disrupted protein product. Loss-of-function variants in DEPDC5 are known to be pathogenic (PMID: 23542697, 23542701).

GeneDx
Classification: Pathogenic. Last evaluated: 2023-01-09. Review status: criteria provided, single submitter. Criteria: GeneDx Variant Classification Process June 2021. Collection method: clinical testing. Allele origin: germline. Affected: yes.
Comment: Nonsense variant predicted to result in nonsense mediated decay in a gene for which loss-of-function is a known mechanism of disease; Published functional studies demonstrate a damaging effect on DEPCD5 protein product, suggesting that the mutant transcripts undergo nonsense mediated decay (Picard et al., 2014; de Calbiac et al., 2018); Not observed at significant frequency in large population cohorts (gnomAD); This variant is associated with the following publications: (PMID: 28102150, 29761115, 23542697, 30093711, 24814846, 20301348, 27683934, 32086284)

Solve-RD Consortium
Classification: Likely pathogenic for Epilepsy, familial focal, with variable foci 1. Last evaluated: 2022-06-01. Review status: no assertion criteria provided. Collection method: provider interpretation. Allele origin: inherited. Affected: yes. Not counted in ClinVar's aggregate classification.
Comment: Variant confirmed as disease-causing by referring clinical team

Variant identified during reanalysis of unsolved cases by the Solve-RD project. The Solve-RD project has received funding from the European Union’s Horizon 2020 research and innovation programme under grant agreement No 779257.

OMIM
Classification: Pathogenic for EPILEPSY, FAMILIAL FOCAL, WITH VARIABLE FOCI 1. Last evaluated: 2014-05-09. Review status: no assertion criteria provided. Collection method: literature only. Allele origin: germline. Not counted in ClinVar's aggregate classification.

GeneReviews
No classification provided. Condition: Epilepsy, familial focal, with variable foci 1. Review status: no classification provided. Collection method: literature only. Allele origin: germline. Not counted in ClinVar's aggregate classification.

Literature cited by the submitters: PubMed 30767899 (cited by Victorian Clinical Genetics Services, Murdoch Childrens Research Institute); PubMed 27066554 (cited by Victorian Clinical Genetics Services, Murdoch Childrens Research Institute); PubMed 32848577 (cited by Victorian Clinical Genetics Services, Murdoch Childrens Research Institute); PubMed 23542697 (cited by 3 submitters); PubMed 32086284 (cited by Dasa and Labcorp Genetics (formerly Invitae), Labcorp); PubMed 24814846 (cited by 3 submitters); PubMed 27208208 (cited by Dasa); PubMed 29761115 (cited by Dasa); PubMed 23542701 (cited by Labcorp Genetics (formerly Invitae), Labcorp); PubMed 39825153 (cited by Solve-RD Consortium); Picard, F., Makrythanasis, P., Navarro, V., Ishida, S., de Bellescize, J., Ville, D., Weckhuysen, S., Fosselle, E., Suls, A., De Jonghe, P., Vasselon Raina, M., Lesca, G., and 13 others DEPDC5 mutations in families presenting as autosomal dominant nocturnal frontal lobe epilepsy. Neurology 82: 2101-2106, 2014. (cited by OMIM); NCBI Bookshelf NBK1169 (cited by GeneReviews).